The following is an entry in ClinVar:

ClinVar aggregate classification (germline): Uncertain significance. Review status: criteria provided, multiple submitters, no conflicts (2 of 4 stars). 4 submissions from 4 submitters: Uncertain significance (4). Last evaluated 2026-01-26.

Conditions:
PLCG2-related disorder. Also called: PLCG2-related condition.
Autoinflammation-PLCG2-associated antibody deficiency-immune dysregulation. Also called: AUTOINFLAMMATION, ANTIBODY DEFICIENCY, AND IMMUNE DYSREGULATION; Autoinflammation, antibody deficiency, and immune dysregulation syndrome; Autoinflammation, antibody deficiency, and immune dysregulation, plcg2-associated. Identifiers: Orphanet 324530, MedGen C3553961, MONDO:0013944, OMIM 614878.
Familial cold autoinflammatory syndrome 3 (FCAS3). Also called: ANTIBODY DEFICIENCY AND IMMUNE DYSREGULATION, PLCG2-ASSOCIATED; FAMILIAL ATYPICAL COLD URTICARIA. Identifiers: Orphanet 300359, MedGen C3280914, MONDO:0013766, OMIM 614468.

Allele frequency attached by ClinVar (database versions not stated): gnomAD exomes below 0.00001 and 0.00001; ExAC 0.00001; gnomAD 0.00003; TOPMed 0.00003.
gnomAD v4.1: 11 of 1,590,524 alleles (0.00069%); highest among the groups gnomAD compares: African/African-American, 0.011%; no homozygotes.

Submissions (4):

Labcorp Genetics (formerly Invitae), Labcorp
Classification: Uncertain significance for Familial cold autoinflammatory syndrome 3. Last evaluated: 2026-01-26. Review status: criteria provided, single submitter. Criteria: Invitae Variant Classification Sherloc (09022015). Collection method: clinical testing. Allele origin: germline.
Comment: This sequence change replaces isoleucine, which is neutral and non-polar, with valine, which is neutral and non-polar, at codon 749 of the PLCG2 protein (p.Ile749Val). This variant is present in population databases (rs761876435, gnomAD 0.003%). This variant has not been reported in the literature in individuals affected with PLCG2-related conditions. ClinVar contains an entry for this variant (Variation ID: 1501639). An algorithm developed to predict the effect of missense changes on protein structure and function outputs the following: PolyPhen-2: "Benign". The valine amino acid residue is found in multiple mammalian species, which suggests that this missense change does not adversely affect protein function. In summary, the available evidence is currently insufficient to determine the role of this variant in disease. Therefore, it has been classified as a Variant of Uncertain Significance.

CeGaT Center for Human Genetics Tuebingen
Classification: Uncertain significance. Last evaluated: 2025-10-01. Review status: criteria provided, single submitter. Criteria: CeGaT Center For Human Genetics Tuebingen Variant Classification Criteria Version 2. Collection method: clinical testing. Allele origin: germline. Affected: yes. Observed: 1 variant allele.
Comment: PLCG2: PM2:Supporting, BP4

PreventionGenetics, part of Exact Sciences
Classification: Uncertain significance for PLCG2-related condition. Last evaluated: 2024-10-04. Review status: criteria provided, single submitter. Criteria: ACMG Guidelines, 2015. Collection method: clinical testing. Allele origin: germline.
Comment: The PLCG2 c.2245A>G variant is predicted to result in the amino acid substitution p.Ile749Val. To our knowledge, this variant has not been reported in the literature. This variant is reported in 0.0029% of alleles in individuals of Latino descent in gnomAD. At this time, the clinical significance of this variant is uncertain due to the absence of conclusive functional and genetic evidence.

Fulgent Genetics
Classification: Uncertain significance for Familial cold autoinflammatory syndrome 3; Autoinflammation-PLCG2-associated antibody deficiency-immune dysregulation. Last evaluated: 2021-12-09. Review status: criteria provided, single submitter. Criteria: ACMG Guidelines, 2015. Collection method: clinical testing. Allele origin: unknown.

NM_002661.5(PLCG2):c.2245A>G (p.Ile749Val)

Gene: PLCG2 (phospholipase C gamma 2; plus strand). Cytogenetic location: 16q23.3.
Variant type: single nucleotide variant.
Coding change: c.2245A>G on transcript NM_002661.5 (MANE Select); coding-DNA position 2245, A replaced by G.
Protein change: p.Ile749Val; replaces isoleucine 749 with valine.
Molecular consequence: missense variant.
Genome position (GRCh38, 1-based): chr16:81,921,207, A>G. VCF-style: chr16-81921207-A-G. GRCh37 (hg19) VCF-style: chr16-81954812-A-G.
Other names: c.2245A>G (NM_002661.4); short protein forms I749V.
Identifiers: ClinVar variation 1501639 (VCV001501639.17), dbSNP rs761876435, ClinGen allele CA8194154.